The following is an entry in ClinVar:

ClinVar aggregate classification (germline): Uncertain significance (1 of 4 stars; one submission).

Conditions:
Hypermethioninemia with deficiency of S-adenosylhomocysteine hydrolase. Identifiers: Orphanet 88618, MedGen C3151058, MONDO:0013404, OMIM 613752.

Allele frequency attached by ClinVar (database versions not stated): gnomAD exomes below 0.00001; TOPMed 0.00002; ExAC 0.00003; gnomAD 0.00004; ESP Exome Variant Server 0.00008.
gnomAD v4.1: 13 of 1,614,114 alleles (0.00081%); highest among the groups gnomAD compares: African/African-American, 0.0013%; no homozygotes.

Submission:

Labcorp Genetics (formerly Invitae), Labcorp
Classification: Uncertain significance for Hypermethioninemia with deficiency of S-adenosylhomocysteine hydrolase. Last evaluated: 2023-12-27. Review status: criteria provided, single submitter. Criteria: Invitae Variant Classification Sherloc (09022015). Collection method: clinical testing. Allele origin: germline.
Comment: This sequence change replaces isoleucine, which is neutral and non-polar, with valine, which is neutral and non-polar, at codon 24 of the AHCY protein (p.Ile24Val). This variant is present in population databases (rs112629627, gnomAD 0.04%). This variant has not been reported in the literature in individuals affected with AHCY-related conditions. ClinVar contains an entry for this variant (Variation ID: 2162725). Advanced modeling of protein sequence and biophysical properties (such as structural, functional, and spatial information, amino acid conservation, physicochemical variation, residue mobility, and thermodynamic stability) performed at Invitae indicates that this missense variant is not expected to disrupt AHCY protein function with a negative predictive value of 80%. In summary, the available evidence is currently insufficient to determine the role of this variant in disease. Therefore, it has been classified as a Variant of Uncertain Significance.

NM_000687.4(AHCY):c.70A>G (p.Ile24Val)

Gene: AHCY (adenosylhomocysteinase; minus strand). Cytogenetic location: 20q11.22.
Variant type: single nucleotide variant.
Coding change: c.70A>G on transcript NM_000687.4 (MANE Select); coding-DNA position 70, A replaced by G.
Protein change: p.Ile24Val; replaces isoleucine 24 with valine.
Molecular consequence: missense variant. On other transcripts: 5 prime UTR variant (3).
Genome position (GRCh38, 1-based): chr20:34,295,544, T>C on the plus strand (A>G on the coding strand, the complement: AHCY is on the minus strand). VCF-style: chr20-34295544-T-C. GRCh37 (hg19) VCF-style: chr20-32883350-T-C.
Other names: c.-15A>G (NM_001161766.2, NM_001322084.2, NM_001322085.2); c.76A>G, p.Ile26Val (NM_001322086.2); c.70A>G, p.Ile24Val (NM_001362750.2); short protein forms I24V, I26V.
Identifiers: ClinVar variation 2162725 (VCV002162725.2), dbSNP rs112629627, ClinGen allele CA9821143.